The following is an entry in ClinVar:

ClinVar aggregate classification (germline): Pathogenic/Likely pathogenic. Review status: criteria provided, multiple submitters, no conflicts (2 of 4 stars). 5 submissions from 5 submitters: Pathogenic (1); Likely pathogenic (3). 1 of the submissions does not count toward it. Last evaluated 2026-09-08.

Conditions:
Fabry disease. Also called: Ceramide trihexosidosis; Fabry's disease; CERAMIDE TRIHEXOSIDASE DEFICIENCY; GLA DEFICIENCY; HEREDITARY DYSTOPIC LIPIDOSIS; ALPHA-GALACTOSIDASE A DEFICIENCY. Identifiers: Orphanet 324, MedGen C0002986, MONDO:0010526, OMIM 301500, HP:0001071. Disease mechanism: Fabry disease is due to inactivating mutations in the X-linked GLA gene resulting in deficiency of the enzyme Alpha Galactosidase-A., loss of function.

Submissions (5):

Genomenon, Inc
Classification: Likely pathogenic for Fabry disease. Last evaluated: 2026-09-08. Review status: criteria provided, single submitter. Criteria: Genomenon Sequence Variant Interpretation Standards - Updated. Collection method: curation. Allele origin: germline. Affected: yes.
Comment: GLA p.Arg404del (c.1212_1214del) is an in-frame deletion that results in the loss of Arginine at codon 404. This variant has been observed in at least one proband with clinical features consistent with Fabry disease (PMID:25531941;33301762;22176145;9100224;32127409;28625968;28360401). The variant was found to segregate with disease in at least one affected family (PMID:33301762). At least one functional study has demonstrated a substantial alteration in protein function relative to the wild-type (PMID:26415523;27657681). It is absent or not present at a significant frequency in gnomAD. In conclusion, we classify GLA p.Arg404del (c.1212_1214del) as a likely pathogenic variant.

Labcorp Genetics (formerly Invitae), Labcorp
Classification: Pathogenic for Fabry disease. Last evaluated: 2025-07-29. Review status: criteria provided, single submitter. Criteria: Invitae Variant Classification Sherloc (09022015). Collection method: clinical testing. Allele origin: germline.
Comment: This variant, c.1212_1214del, results in the deletion of 1 amino acid(s) of the GLA protein (p.Arg404del), but otherwise preserves the integrity of the reading frame. This variant is not present in population databases (gnomAD no frequency). This variant has been observed in individuals with Fabry disease (PMID: 7504405, 9100224, 15091117, 25386848). It has also been observed to segregate with disease in related individuals. This variant is also known as 1209del3 or 1208del3. Algorithms developed to predict the effect of variants on gene product structure and function are not available or were not evaluated for this variant. Experimental studies have shown that this variant affects GLA function (PMID: 26415523). Algorithms developed to predict the effect of sequence changes on RNA splicing suggest that this variant may create or strengthen a splice site. For these reasons, this variant has been classified as Pathogenic.

AiLife Diagnostics
Classification: Likely pathogenic. Last evaluated: 2021-05-26. Review status: criteria provided, single submitter. Criteria: ACMG Guidelines, 2015. Collection method: clinical testing. Allele origin: germline. Affected: yes. Observed: 1 variant allele.

Revvity Omics, Revvity
Classification: Likely pathogenic. Last evaluated: 2021-02-08. Review status: criteria provided, single submitter. Criteria: ACMG Guidelines, 2015. Collection method: clinical testing. Allele origin: germline.

OMIM
Classification: Pathogenic for FABRY DISEASE. Last evaluated: 1993-12-01. Review status: no assertion criteria provided. Collection method: literature only. Allele origin: germline. Not counted in ClinVar's aggregate classification.

Literature cited by the submitters: PubMed 25531941 (cited by Genomenon, Inc); PubMed 33301762 (cited by Genomenon, Inc); PubMed 22176145 (cited by Genomenon, Inc); PubMed 9100224 (cited by Genomenon, Inc and Labcorp Genetics (formerly Invitae), Labcorp); PubMed 32127409 (cited by Genomenon, Inc); PubMed 28625968 (cited by Genomenon, Inc); PubMed 28360401 (cited by Genomenon, Inc); PubMed 26415523 (cited by 3 submitters); PubMed 27657681 (cited by Genomenon, Inc); PubMed 7504405 (cited by 3 submitters); PubMed 15091117 (cited by Labcorp Genetics (formerly Invitae), Labcorp and AiLife Diagnostics); PubMed 25386848 (cited by Labcorp Genetics (formerly Invitae), Labcorp).

NM_000169.3(GLA):c.1209AAG[1] (p.Arg404del)

Genes: GLA (galactosidase alpha; minus strand), RPL36A-HNRNPH2 (RPL36A-HNRNPH2 readthrough; plus strand). Cytogenetic location: Xq22.1.
Variant type: Microsatellite.
Coding change: c.1209AAG[1] on transcript NM_000169.3 (MANE Select); one copy of the 3-base unit AAG starting at c.1209; the reference has two copies in a row; one copy, 3 bases deleted; also written c.1212_1214del.
Protein change: p.Arg404del; deletes arginine 404.
Molecular consequence: inframe deletion. On other transcripts: non-coding transcript variant (3), intron variant (2).
Genome position (GRCh38, 1-based): chrX:101,397,885-101,397,887, CTT deleted on the plus strand (AAG on the coding strand, the reverse complement: GLA is on the minus strand); deleting any 3 consecutive bases within chrX:101,397,885-101,397,890 gives the same sequence; the position shown is the placement nearest the transcript's 3' end. VCF-style (leftmost placement, unchanged base first): chrX-101397884-ACTT-A. GRCh37 (hg19) VCF-style: chrX-100652872-ACTT-A.
Other names: c.1212_1214del (NM_000169.3); c.1332AAG[1], p.Arg445del (NM_001406747.1); c.300+2431_300+2433del (NM_001199973.2); c.177+6066_177+6068del (NM_001199974.2); short protein forms R404del, R445del.
Identifiers: ClinVar variation 10757 (VCV000010757.16), dbSNP rs869312241, ClinGen allele CA352558.